The following is an entry in ClinVar:

NM_000748.3(CHRNB2):c.316C>T (p.Arg106Trp)

Gene: CHRNB2 (cholinergic receptor nicotinic beta 2 subunit; plus strand). Cytogenetic location: 1q21.3.
Variant type: single nucleotide variant.
Coding change: c.316C>T on transcript NM_000748.3 (MANE Select); coding-DNA position 316, C replaced by T.
Protein change: p.Arg106Trp; replaces arginine 106 with tryptophan.
Molecular consequence: missense variant.
Genome position (GRCh38, 1-based): chr1:154,570,318, C>T. VCF-style: chr1-154570318-C-T. GRCh37 (hg19) VCF-style: chr1-154542794-C-T.
Other names: short protein forms R106W.
Identifiers: ClinVar variation 650562 (VCV000650562.10), dbSNP rs372273025, ClinGen allele CA1130694.

ClinVar aggregate classification (germline): Conflicting classifications of pathogenicity. Review status: criteria provided, conflicting classifications (1 of 4 stars). 2 submissions from 2 submitters: Uncertain significance (1); Likely benign (1). Last evaluated 2025-08-18.

Conditions:
Familial sleep-related hypermotor epilepsy. Also called: Autosomal Dominant Sleep-Related Hypermotor (Hyperkinetic) Epilepsy. Identifiers: Orphanet 98784, MedGen C3696898, MONDO:0000030.

Allele frequency attached by ClinVar (database versions not stated): gnomAD exomes 0.00003; ESP Exome Variant Server 0.00015; ExAC 0.00005; TOPMed 0.00003.

Submissions (2):

Labcorp Genetics (formerly Invitae), Labcorp
Classification: Uncertain significance. Last evaluated: 2025-08-18. Review status: criteria provided, single submitter. Criteria: Invitae Variant Classification Sherloc (09022015). Collection method: clinical testing. Allele origin: germline.
Comment: This sequence change replaces arginine, which is basic and polar, with tryptophan, which is neutral and slightly polar, at codon 106 of the CHRNB2 protein (p.Arg106Trp). This variant is present in population databases (rs372273025, gnomAD 0.01%). This variant has not been reported in the literature in individuals affected with CHRNB2-related conditions. ClinVar contains an entry for this variant (Variation ID: 650562). Invitae Evidence Modeling of protein sequence and biophysical properties (such as structural, functional, and spatial information, amino acid conservation, physicochemical variation, residue mobility, and thermodynamic stability) indicates that this missense variant is expected to disrupt CHRNB2 protein function with a positive predictive value of 80%. In summary, the available evidence is currently insufficient to determine the role of this variant in disease. Therefore, it has been classified as a Variant of Uncertain Significance.

GeneDx
Classification: Likely benign. Last evaluated: 2022-10-04. Review status: criteria provided, single submitter. Criteria: GeneDx Variant Classification Process June 2021. Collection method: clinical testing. Allele origin: germline. Affected: yes.
Comment: See Variant Classification Assertion Criteria.